The following is an entry in ClinVar:

ClinVar aggregate classification (germline): Pathogenic. Review status: criteria provided, multiple submitters, no conflicts (2 of 4 stars). 2 submissions from 2 submitters: Pathogenic (2). Last evaluated 2025-04-30.

Conditions:
Familial melanoma. Also called: Hereditary melanoma; Hereditary cutaneous melanoma. Identifiers: Orphanet 618, MedGen C1512419, MONDO:0018961.
Hereditary cancer-predisposing syndrome. Also called: Neoplastic Syndromes, Hereditary; Hereditary Cancer Syndrome; Tumor predisposition; Hereditary neoplastic syndrome. Identifiers: Orphanet 140162, MedGen C0027672, MeSH D009386, MONDO:0015356.

Submissions (2):

Ambry Genetics
Classification: Pathogenic for Hereditary cancer-predisposing syndrome. Last evaluated: 2025-04-30. Review status: criteria provided, single submitter. Criteria: Ambry Variant Classification Scheme 2023. Collection method: clinical testing. Allele origin: germline.
Comment: The c.367delC pathogenic mutation, located in coding exon 2 of the CDKN2A gene, results from a deletion of one nucleotide at nucleotide position 367, causing a translational frameshift with a predicted alternate stop codon (p.H123Ifs*23). This alteration occurs at the 3' terminus of theCDKN2A gene, is not expected to trigger nonsense-mediated mRNA decay, and impacts the last 27.7% of the protein. However, premature stop codons are typically deleterious in nature and the impacted region is critical for protein function and a significant portion of the protein is affected (Ambry internal data). This variant is considered to be rare based on population cohorts in the Genome Aggregation Database (gnomAD). Based on the supporting evidence, this variant is interpreted as a disease-causing mutation.

Labcorp Genetics (formerly Invitae), Labcorp
Classification: Pathogenic for Familial melanoma. Last evaluated: 2023-12-10. Review status: criteria provided, single submitter. Criteria: Invitae Variant Classification Sherloc (09022015). Collection method: clinical testing. Allele origin: germline.
Comment: This sequence change creates a premature translational stop signal (p.His123Ilefs*23) in the CDKN2A (p16INK4a) gene. While this is not anticipated to result in nonsense mediated decay, it is expected to disrupt the last 34 amino acid(s) of the CDKN2A (p16INK4a) protein. This variant is not present in population databases (gnomAD no frequency). This variant has not been reported in the literature in individuals affected with CDKN2A (p16INK4a)-related conditions. This variant disrupts a region of the CDKN2A (p16INK4a) protein in which other variant(s) (p.Val126Asp) have been determined to be pathogenic (PMID: 7647780, 7987387, 8668202, 10389768, 11595726, 20340136, 23190892, 23371019). This suggests that this is a clinically significant region of the protein, and that variants that disrupt it are likely to be disease-causing. For these reasons, this variant has been classified as Pathogenic.

Literature cited by the submitters: PubMed 38355628 (cited by Ambry Genetics); PubMed 7647780 (cited by Labcorp Genetics (formerly Invitae), Labcorp); PubMed 7987387 (cited by Labcorp Genetics (formerly Invitae), Labcorp); PubMed 8668202 (cited by Labcorp Genetics (formerly Invitae), Labcorp); PubMed 10389768 (cited by Labcorp Genetics (formerly Invitae), Labcorp); PubMed 11595726 (cited by Labcorp Genetics (formerly Invitae), Labcorp); PubMed 20340136 (cited by Labcorp Genetics (formerly Invitae), Labcorp); PubMed 23190892 (cited by Labcorp Genetics (formerly Invitae), Labcorp); PubMed 23371019 (cited by Labcorp Genetics (formerly Invitae), Labcorp).

NM_000077.5(CDKN2A):c.367del (p.His123fs)

Gene: CDKN2A (cyclin dependent kinase inhibitor 2A; minus strand). Cytogenetic location: 9p21.3.
Variant type: Deletion.
Coding change: c.367del on transcript NM_000077.5; coding-DNA position 367, one base deleted (C; older notation c.367delC).
Protein change: p.His123fs; shifts the reading frame from histidine 123.
Molecular consequence: frameshift variant (on NM_000077.4). On other transcripts: 3 prime UTR variant (2).
Genome position (GRCh38, 1-based): chr9:21,970,992, G deleted on the plus strand (C on the coding strand, the reverse complement: CDKN2A is on the minus strand); the first of 2 consecutive G bases (chr9:21,970,992-21,970,993); deleting either gives the same sequence. VCF-style (leftmost placement, unchanged base first): chr9-21970991-TG-T. GRCh37 (hg19) VCF-style: chr9-21970990-TG-T.
Other names: c.367delC (NM_000077.4); c.366delC, p.His123Ilefs (NM_000077.6); c.367del, p.His123fs (NM_001195132.2); c.214del, p.His72fs (NM_001363763.2); c.*11del (NM_058195.4); c.*290del (NM_058197.5); short protein forms H123fs, H72fs.
Identifiers: ClinVar variation 2692898 (VCV002692898.4), dbSNP rs2489273847, ClinGen allele CA2697557695.